The following is an entry in ClinVar:

ClinVar aggregate classification (germline): Conflicting classifications of pathogenicity. Review status: criteria provided, conflicting classifications (1 of 4 stars). 9 submissions from 9 submitters: Uncertain significance (5); Benign (1). 3 of the submissions do not count toward it. Last evaluated 2026-02-01.

Conditions:
Epidermolysis bullosa dystrophica. Also called: Dystrophic epidermolysis bullosa, Hallopeau-Siemens type (formerly); Dystrophic epidermolysis bullosa. Identifiers: Orphanet 303, MedGen C0079294, MONDO:0006543.
COL7A1-related disorder. Also called: COL7A1- related disorders; COL7A1-related condition.
Transient bullous dermolysis of the newborn (TBDN). Also called: EPIDERMOLYSIS BULLOSA DYSTROPHICA, NEONATAL FORM; DYSTROPHIC EPIDERMOLYSIS BULLOSA, NEONATAL. Identifiers: Orphanet 79411, MedGen C1851573, MONDO:0007548, OMIM 131705.
Nonsyndromic congenital nail disorder 8. Also called: TOENAIL DYSTROPHY, ISOLATED. Identifiers: MedGen C1843761, MONDO:0011852, OMIM 607523.
Recessive dystrophic epidermolysis bullosa (RDEB). Also called: DYSTROPHIC EPIDERMOLYSIS BULLOSA, AUTOSOMAL RECESSIVE; EPIDERMOLYSIS BULLOSA DYSTROPHICA, HALLOPEAU-SIEMENS TYPE; severe generalized recessive dystrophic epidermolysis bullosa; EPIDERMOLYSIS BULLOSA DYSTROPHICA, GENERALIZED SEVERE, AUTOSOMAL RECESSIVE; Epidermolysis Bullosa Distrophica Autosomal Recessive (RDEB); Hallopeau-Siemens Disease. Identifiers: Orphanet 79408, Orphanet 79409, MedGen C0079474, MONDO:0009179, OMIM 226600.
Epidermolysis bullosa pruriginosa. Also called: DEB, PRURIGINOSA; DYSTROPHIC EPIDERMOLYSIS BULLOSA PRURIGINOSA. Identifiers: Orphanet 89843, MedGen C1275114, MONDO:0011398, OMIM 604129.
Generalized dominant dystrophic epidermolysis bullosa (DDEB). Also called: DDEB, generalized; DDEB-gen; DYSTROPHIC EPIDERMOLYSIS BULLOSA, AUTOSOMAL DOMINANT; Epidermolysis bullosa dystrophica, autosomal dominant; Dominant DEB (DDEB). Identifiers: Orphanet 231568, MedGen C0432322, MONDO:0007549, OMIM 131750.
Pretibial dystrophic epidermolysis bullosa. Also called: Pretibial epidermolysis bullosa; EPIDERMOLYSIS BULLOSA DYSTROPHICA, PRETIBIAL; Pretibial blistering. Identifiers: Orphanet 79410, MedGen C0432321, MONDO:0007552, OMIM 131850, HP:0012221.
Dominant dystrophic epidermolysis bullosa with absence of skin. Also called: EPIDERMOLYSIS BULLOSA DYSTROPHICA, BART TYPE; EPIDERMOLYSIS BULLOSA WITH CONGENITAL LOCALIZED ABSENCE OF SKIN AND DEFORMITY OF NAILS. Identifiers: MedGen C0268371, MONDO:0007557, OMIM 132000.

Allele frequency attached by ClinVar (database versions not stated): ESP Exome Variant Server 0.00038; ExAC 0.00041; gnomAD exomes 0.00047; TOPMed 0.00047; gnomAD 0.00049 and 0.00050.
gnomAD v4.1: 845 of 1,613,966 alleles (0.052%); highest among the groups gnomAD compares: Middle Eastern, 0.13%; no homozygotes.

Submissions (9):

Labcorp Genetics (formerly Invitae), Labcorp
Classification: Benign. Last evaluated: 2026-02-01. Review status: criteria provided, single submitter. Criteria: Invitae Variant Classification Sherloc (09022015). Collection method: clinical testing. Allele origin: germline.

GeneDx
Classification: Uncertain significance. Last evaluated: 2025-07-14. Review status: criteria provided, single submitter. Criteria: GeneDx Variant Classification Process June 2021. Collection method: clinical testing. Allele origin: germline. Affected: yes.
Comment: Identified in a patient with Chiari malformation type 1 in published literature (PMID: 33974636); In silico analysis suggests that this missense variant does not alter protein structure/function; This variant is associated with the following publications: (PMID: 33622343, 33974636)

CeGaT Center for Human Genetics Tuebingen
Classification: Uncertain significance. Last evaluated: 2025-07-01. Review status: criteria provided, single submitter. Criteria: CeGaT Center For Human Genetics Tuebingen Variant Classification Criteria Version 2. Collection method: clinical testing. Allele origin: germline. Affected: yes. Observed: 2 variant alleles.

Blueprint Genetics
Classification: Uncertain significance. Last evaluated: 2024-11-05. Review status: criteria provided, single submitter. Criteria: ACMG Guidelines, 2015. Collection method: clinical testing. Allele origin: germline.

Fulgent Genetics
Classification: Uncertain significance for Transient bullous dermolysis of the newborn; Generalized dominant dystrophic epidermolysis bullosa; Pretibial dystrophic epidermolysis bullosa; Dominant dystrophic epidermolysis bullosa with absence of skin; Recessive dystrophic epidermolysis bullosa; Epidermolysis bullosa pruriginosa; Nonsyndromic congenital nail disorder 8. Last evaluated: 2022-04-13. Review status: criteria provided, single submitter. Criteria: ACMG Guidelines, 2015. Collection method: clinical testing. Allele origin: unknown.

Illumina Laboratory Services, Illumina
Classification: Uncertain significance for Dystrophic epidermolysis bullosa. Last evaluated: 2018-01-13. Review status: criteria provided, single submitter. Criteria: ICSL Variant Classification Criteria 13 December 2019. Collection method: clinical testing. Allele origin: germline.

PreventionGenetics, part of Exact Sciences
Classification: Likely benign for COL7A1-related condition. Last evaluated: 2023-12-29. Review status: no assertion criteria provided. Collection method: clinical testing. Allele origin: germline. Not counted in ClinVar's aggregate classification.
Comment: This variant is classified as likely benign based on ACMG/AMP sequence variant interpretation guidelines (Richards et al. 2015 PMID: 25741868, with internal and published modifications).

Clinical Genetics DNA and cytogenetics Diagnostics Lab, Erasmus MC, Erasmus Medical Center
Classification: Uncertain significance. Review status: no assertion criteria provided. Collection method: clinical testing. Allele origin: germline. Affected: yes. Study: VKGL Data-share Consensus. Not counted in ClinVar's aggregate classification.

Diagnostic Laboratory, Department of Genetics, University Medical Center Groningen
Classification: Uncertain significance. Review status: no assertion criteria provided. Collection method: clinical testing. Allele origin: germline. Affected: yes. Study: VKGL Data-share Consensus. Not counted in ClinVar's aggregate classification.

NM_000094.4(COL7A1):c.5572G>A (p.Glu1858Lys)

Gene: COL7A1 (collagen type VII alpha 1 chain; minus strand). Cytogenetic location: 3p21.31.
Variant type: single nucleotide variant.
Coding change: c.5572G>A on transcript NM_000094.4 (MANE Select); coding-DNA position 5572, G replaced by A.
Protein change: p.Glu1858Lys; replaces glutamic acid 1858 with lysine.
Molecular consequence: missense variant.
Genome position (GRCh38, 1-based): chr3:48,576,916, C>T on the plus strand (G>A on the coding strand, the complement: COL7A1 is on the minus strand). VCF-style: chr3-48576916-C-T. GRCh37 (hg19) VCF-style: chr3-48614349-C-T.
Other names: short protein forms E1858K.
Identifiers: ClinVar variation 345835 (VCV000345835.42), dbSNP rs147633212, ClinGen allele CA2379428.
Genomic context (GRCh38, chr3:48,576,916, plus strand): 5'-AGAGGTTGCAGAAAACTCCAATACTCACTTCTCTCCCAGAGGCGCCTGAATCTCCTTTCT[C>T]TCCCTAAGGAAGACAAGGATGCTTCAGGCATGGCTCCAAGCAGAGACCAGAGAGACCCCA-3'
Protein context (NP_000085.1, residues 1848-1868): GDPGEDGRKG[Glu1858Lys]KGDSGASGRE